The following is an entry in ClinVar:

ClinVar aggregate classification (germline): Uncertain significance (1 of 4 stars; one submission).

Submission:

GeneDx
Classification: Uncertain significance. Last evaluated: 2019-08-06. Review status: criteria provided, single submitter. Criteria: GeneDx Variant Classification Process June 2021. Collection method: clinical testing. Allele origin: germline. Affected: yes.
Comment: Not observed in large population cohorts (Lek et al., 2016); Nonsense variant predicted to result in protein truncation or nonsense mediated decay in a gene for which loss-of-function is not a known mechanism of disease; Has not been previously published as pathogenic or benign to our knowledge

NM_001375524.1(TRRAP):c.2596C>T (p.Gln866Ter)

Gene: TRRAP (transformation/transcription domain associated protein; plus strand). Cytogenetic location: 7q22.1.
Variant type: single nucleotide variant.
Coding change: c.2596C>T on transcript NM_001375524.1 (MANE Select); coding-DNA position 2596, C replaced by T.
Protein change: p.Gln866Ter; replaces glutamine 866 with a stop codon.
Molecular consequence: nonsense.
Genome position (GRCh38, 1-based): chr7:98,917,653, C>T. VCF-style: chr7-98917653-C-T. GRCh37 (hg19) VCF-style: chr7-98515276-C-T.
Other names: c.2596C>T, p.Gln866Ter (NM_001244580.2, NM_003496.4); short protein forms Q866*.
Identifiers: ClinVar variation 1307641 (VCV001307641.2), dbSNP rs2116446335, ClinGen allele CA368292169.